The following is an entry in ClinVar:

ClinVar aggregate classification (germline): Uncertain significance. Review status: criteria provided, multiple submitters, no conflicts (2 of 4 stars). 2 submissions from 2 submitters: Uncertain significance (2). Last evaluated 2026-01-19.

Allele frequency attached by ClinVar (database versions not stated): ExAC 0.00001; gnomAD exomes 0.00001 and 0.00002; TOPMed 0.00001; gnomAD 0.00007.
gnomAD v4.1: 38 of 1,613,502 alleles (0.0024%); highest among the groups gnomAD compares: Middle Eastern, 0.016%; no homozygotes.

Submissions (2):

Labcorp Genetics (formerly Invitae), Labcorp
Classification: Uncertain significance. Last evaluated: 2026-01-19. Review status: criteria provided, single submitter. Criteria: Invitae Variant Classification Sherloc (09022015). Collection method: clinical testing. Allele origin: germline.
Comment: This sequence change replaces arginine, which is basic and polar, with histidine, which is basic and polar, at codon 822 of the MICAL1 protein (p.Arg822His). This variant is present in population databases (rs778191728, gnomAD 0.01%). This variant has not been reported in the literature in individuals affected with MICAL1-related conditions. ClinVar contains an entry for this variant (Variation ID: 1376082). An algorithm developed to predict the effect of missense changes on protein structure and function (PolyPhen-2) suggests that this variant is likely to be tolerated. In summary, the available evidence is currently insufficient to determine the role of this variant in disease. Therefore, it has been classified as a Variant of Uncertain Significance.

Ambry Genetics
Classification: Uncertain significance. Last evaluated: 2022-01-27. Review status: criteria provided, single submitter. Criteria: Ambry Variant Classification Scheme 2023. Collection method: clinical testing. Allele origin: germline.

NM_022765.4(MICAL1):c.2408G>A (p.Arg803His)

Gene: MICAL1 (microtubule associated monooxygenase, calponin and LIM domain containing 1; minus strand). Cytogenetic location: 6q21.
Variant type: single nucleotide variant.
Coding change: c.2408G>A on transcript NM_022765.4 (MANE Select); coding-DNA position 2408, G replaced by A.
Protein change: p.Arg803His; replaces arginine 803 with histidine.
Molecular consequence: missense variant.
Genome position (GRCh38, 1-based): chr6:109,446,309, C>T on the plus strand (G>A on the coding strand, the complement: MICAL1 is on the minus strand). VCF-style: chr6-109446309-C-T. GRCh37 (hg19) VCF-style: chr6-109767512-C-T.
Other names: c.2150G>A, p.Arg717His (NM_001159291.2); c.2465G>A, p.Arg822His (NM_001286613.2); c.2408G>A (NM_022765.3); short protein forms R803H, R822H, R717H.
Identifiers: ClinVar variation 1376082 (VCV001376082.7), dbSNP rs778191728, ClinGen allele CA3952909.